The following is an entry in ClinVar:

ClinVar aggregate classification (germline): Likely benign. Review status: criteria provided, multiple submitters, no conflicts (2 of 4 stars). 2 submissions from 2 submitters: Likely benign (2). Last evaluated 2023-04-26.

Conditions:
Oligodontia-cancer predisposition syndrome. Also called: TOOTH AGENESIS-COLORECTAL CANCER SYNDROME. Identifiers: Orphanet 300576, MedGen C1837750, MONDO:0012075, OMIM 608615. Disease mechanism: loss of function.

Submissions (2):

Labcorp Genetics (formerly Invitae), Labcorp
Classification: Likely benign for Oligodontia-cancer predisposition syndrome. Last evaluated: 2023-04-26. Review status: criteria provided, single submitter. Criteria: Invitae Variant Classification Sherloc (09022015). Collection method: clinical testing. Allele origin: germline.

GeneDx
Classification: Likely benign. Last evaluated: 2016-07-28. Review status: criteria provided, single submitter. Criteria: GeneDx Variant Classification (06012015). Collection method: clinical testing. Allele origin: germline. Affected: yes.
Comment: This variant is considered likely benign or benign based on one or more of the following criteria: it is a conservative change, it occurs at a poorly conserved position in the protein, it is predicted to be benign by multiple in silico algorithms, and/or has population frequency not consistent with disease.

NM_004655.4(AXIN2):c.1907+19del

Gene: AXIN2 (axin 2; minus strand). Cytogenetic location: 17q24.1.
Variant type: Deletion.
Coding change: c.1907+19del on transcript NM_004655.4 (MANE Select); 19 bases into the intron after coding-DNA position 1907, one base deleted (C; older notation c.1907+19delC).
Molecular consequence: intron variant.
Genome position (GRCh38, 1-based): chr17:65,536,850, G deleted on the plus strand (C on the coding strand, the reverse complement: AXIN2 is on the minus strand); the first of 2 consecutive G bases (chr17:65,536,850-65,536,851); deleting either gives the same sequence. VCF-style (leftmost placement, unchanged base first): chr17-65536849-CG-C. GRCh37 (hg19) VCF-style: chr17-63532967-CG-C.
Other names: c.1907+19del (LRG_296t1); c.1713-297del (NM_001363813.1); c.1907+19delC (NM_004655.3).
Identifiers: ClinVar variation 421817 (VCV000421817.5), dbSNP rs1064795378, ClinGen allele CA16620564.